The following is an entry in ClinVar:

ClinVar aggregate classification (germline): Pathogenic. Review status: criteria provided, multiple submitters, no conflicts (2 of 4 stars). 3 submissions from 3 submitters: Pathogenic (3). Last evaluated 2026-06-02.

Conditions:
Hereditary diffuse gastric adenocarcinoma (HDGC). Also called: DIFFUSE GASTRIC AND LOBULAR BREAST CANCER SYNDROME. Identifiers: Orphanet 26106, MedGen C1708349, MONDO:0007648, OMIM 137215.
Hereditary cancer-predisposing syndrome. Also called: Tumor predisposition; Neoplastic Syndromes, Hereditary; Hereditary neoplastic syndrome; Hereditary Cancer Syndrome. Identifiers: Orphanet 140162, MedGen C0027672, MeSH D009386, MONDO:0015356.

Submissions (3):

Myriad Genetics, Inc.
Classification: Pathogenic for Hereditary diffuse gastric adenocarcinoma. Last evaluated: 2026-06-02. Review status: criteria provided, single submitter. Criteria: Myriad Autosomal Dominant, Autosomal Recessive and X-Linked Classification Criteria (2023). Collection method: clinical testing. Allele origin: unknown.
Comment: This variant is considered pathogenic. This variant creates a frameshift predicted to result in premature protein truncation.

Ambry Genetics
Classification: Pathogenic for Hereditary cancer-predisposing syndrome. Last evaluated: 2025-11-04. Review status: criteria provided, single submitter. Criteria: Ambry Variant Classification Scheme 2023. Collection method: clinical testing. Allele origin: germline.
Comment: The c.1007_1008delAG pathogenic mutation, located in coding exon 6 of the CTNNA1 gene, results from a deletion of two nucleotides at nucleotide positions 1007 to 1008, causing a translational frameshift with a predicted alternate stop codon (p.E336Vfs*2). This variant is considered to be rare based on population cohorts in the Genome Aggregation Database (gnomAD). This alteration is expected to result in loss of function by premature protein truncation or nonsense-mediated mRNA decay. As such, this alteration is interpreted as a disease-causing mutation.

Labcorp Genetics (formerly Invitae), Labcorp
Classification: Pathogenic. Last evaluated: 2023-09-28. Review status: criteria provided, single submitter. Criteria: Invitae Variant Classification Sherloc (09022015). Collection method: clinical testing. Allele origin: germline.
Comment: For these reasons, this variant has been classified as Pathogenic. This variant has not been reported in the literature in individuals affected with CTNNA1-related conditions. This variant is not present in population databases (gnomAD no frequency). This sequence change creates a premature translational stop signal (p.Glu336Valfs*2) in the CTNNA1 gene. It is expected to result in an absent or disrupted protein product. Loss-of-function variants in CTNNA1 are known to be pathogenic (PMID: 32051609, 34425242).

Literature cited by the submitters: PubMed 32051609 (cited by Labcorp Genetics (formerly Invitae), Labcorp); PubMed 34425242 (cited by Labcorp Genetics (formerly Invitae), Labcorp).

NM_001903.5(CTNNA1):c.1007_1008del (p.Glu336fs)

Gene: CTNNA1 (catenin alpha 1; plus strand). Cytogenetic location: 5q31.2.
Variant type: Microsatellite.
Coding change: c.1007_1008del on transcript NM_001903.5 (MANE Select); coding-DNA positions 1007 to 1008, 2 bases deleted (AG; older notation c.1007_1008delAG).
Protein change: p.Glu336fs; shifts the reading frame from glutamic acid 336.
Molecular consequence: frameshift variant.
Genome position (GRCh38, 1-based): chr5:138,827,663-138,827,664, AG deleted; deleting any 2 consecutive bases within chr5:138,827,661-138,827,664 gives the same sequence; the c. name uses the placement nearest the transcript's 3' end. VCF-style (leftmost placement, unchanged base first): chr5-138827660-CAG-C. GRCh37 (hg19) VCF-style: chr5-138163349-CAG-C.
Other names: c.1007_1008delAG (NM_001903.2); c.1007_1008del, p.Glu336fs (NM_001290307.3, NM_001323982.2, NM_001323983.1 and 3 more transcripts); c.698_699del, p.Glu233fs (NM_001290309.3); c.638_639del, p.Glu213fs (NM_001290310.3); short protein forms E233fs, E336fs, E213fs.
Identifiers: ClinVar variation 2886992 (VCV002886992.5), dbSNP rs2532447804, ClinGen allele CA2739275077.